The following is an entry in ClinVar:

ClinVar aggregate classification (germline): Likely pathogenic (1 of 4 stars; one submission).

Conditions:
Sandhoff disease. Also called: GM2-GANGLIOSIDOSIS, TYPE II; HEXOSAMINIDASES A AND B DEFICIENCY; Beta-hexosaminidase-beta-subunit deficiency; GM2 gangliosidosis, type 2; Total hexosaminidase deficiency; Sandhoff-Jatzkewitz-Pilz disease. Identifiers: Orphanet 796, MedGen C0036161, MONDO:0010006, OMIM 268800.

Submission:

Natera, Inc.
Classification: Likely pathogenic for Sandhoff disease. Last evaluated: 2025-04-13. Review status: criteria provided, single submitter. Criteria: Natera Variant Classification Schema (03/2026). Collection method: clinical testing. Allele origin: germline.
Comment: The c.1118_1125delAAAAAGGC variant in HEXB is a frameshift variant predicted to shift the reading frame beginning at codon 373 and leads to a stop codon 6 codons downstream. This variant is expected to result in nonsense mediated decay, truncation, or a dysfunctional protein product. This variant is rare in the general population with a frequency below the threshold expected for the associated phenotype(s). Given the available evidence, this variant is classified as Likely Pathogenic.

NM_000521.4(HEXB):c.1118_1125del (p.Gln373fs)

Gene: HEXB (hexosaminidase subunit beta; plus strand). Cytogenetic location: 5q13.3.
Variant type: Deletion.
Coding change: c.1118_1125del on transcript NM_000521.4 (MANE Select); coding-DNA positions 1118 to 1125, 8 bases deleted (AAAAAGGC; older notation c.1118_1125delAAAAAGGC).
Protein change: p.Gln373fs; shifts the reading frame from glutamine 373.
Molecular consequence: frameshift variant.
Genome position (GRCh38, 1-based): chr5:74,716,622-74,716,629, AAAAAGGC deleted; deleting any 8 consecutive bases within chr5:74,716,618-74,716,629 gives the same sequence; the c. name uses the placement nearest the transcript's 3' end. VCF-style (leftmost placement, unchanged base first): chr5-74716617-GAGGCAAAA-G. GRCh37 (hg19) VCF-style: chr5-74012442-GAGGCAAAA-G.
Other names: c.443_450del, p.Gln148fs (NM_001292004.2); short protein forms Q148fs, Q373fs.
Identifiers: ClinVar variation 4814279 (VCV004814279.1).
Genomic context (GRCh38, chr5:74,716,617, plus strand): 5'-TAATGAAATTTTAATCACTTTTTGCTTCAGGGAATCAAATCCAAAAATTCAAGATTTCAT[GAGGCAAAA>G]AGGCTTTGGCACAGATTTTAAGAAACTAGAATCTTTCTACATTCAAAAGTAAGTTGTTTG-3'